The following is an entry in ClinVar:

NC_000010.10:g.(?_55616915)_(55626637_?)del

Gene: PCDH15 (protocadherin related 15; minus strand). Cytogenetic location: 10q21.1.
Variant type: Deletion.
Identifiers: ClinVar variation 1457742 (VCV001457742.5).

ClinVar aggregate classification (germline): Pathogenic (1 of 4 stars; one submission).

Submission:

Labcorp Genetics (formerly Invitae), Labcorp
Classification: Pathogenic. Last evaluated: 2022-03-19. Review status: criteria provided, single submitter. Criteria: Invitae Variant Classification Sherloc (09022015). Collection method: clinical testing. Allele origin: germline.
Comment: This variant is a gross deletion of the genomic region encompassing exon(s) 27-28 of the PCDH15 gene. This deletion is out-of-frame, and is expected to create a premature termination codon and result in an absent or disrupted protein product. Loss-of-function variants in PCDH15 are known to be pathogenic (PMID: 11398101, 11487575, 14570705). This variant has not been reported in the literature in individuals affected with PCDH15-related conditions. For these reasons, this variant has been classified as Pathogenic.

Literature cited by the submitters: PubMed 11398101; PubMed 11487575; PubMed 14570705.